The following is an entry in ClinVar:

NM_001148.6(ANK2):c.6668C>T (p.Pro2223Leu)

Gene: ANK2 (ankyrin 2; plus strand). Cytogenetic location: 4q26.
Variant type: single nucleotide variant.
Coding change: c.6668C>T on transcript NM_001148.6 (MANE Select); coding-DNA position 6668, C replaced by T.
Protein change: p.Pro2223Leu; replaces proline 2223 with leucine.
Molecular consequence: missense variant. On other transcripts: intron variant (68).
Genome position (GRCh38, 1-based): chr4:113,355,286, C>T. VCF-style: chr4-113355286-C-T. GRCh37 (hg19) VCF-style: chr4-114276442-C-T.
Other names: c.6434C>T, p.Pro2145Leu (NM_001386142.1); c.3068C>T, p.Pro1023Leu (NM_001386166.1); c.6809C>T, p.Pro2270Leu (NM_001386174.1); c.6785C>T, p.Pro2262Leu (NM_001386175.1); c.4411+5037C>T (NM_001386186.2, NM_001386148.2); c.4213+5037C>T (NM_001354269.3); c.4291+5037C>T (NM_001386187.2); c.4252+5037C>T (NM_001386147.1); and 35 more; short protein forms P1023L, P2145L, P2223L, P2262L, P2270L.
Identifiers: ClinVar variation 2418788 (VCV002418788.6), dbSNP rs1415611619, ClinGen allele CA357924963.

ClinVar aggregate classification (germline): Uncertain significance. Review status: criteria provided, multiple submitters, no conflicts (2 of 4 stars). 2 submissions from 2 submitters: Uncertain significance (2). Last evaluated 2024-02-09.

Conditions:
Cardiovascular phenotype. Identifiers: MedGen CN230736.
Long QT syndrome (LQTS). Identifiers: MedGen C0023976, MeSH D008133, MONDO:0002442. Disease mechanism: loss of function. Inheritance: Various modes of inheritance.

gnomAD v4.1: 1 of 1,614,024 alleles (0.000062%); highest among the groups gnomAD compares: Admixed American, 0.0017%; no homozygotes.

Submissions (2):

Ambry Genetics
Classification: Uncertain significance for Cardiovascular phenotype. Last evaluated: 2024-02-09. Review status: criteria provided, single submitter. Criteria: Ambry Variant Classification Scheme 2023. Collection method: clinical testing. Allele origin: germline.
Comment: The p.P2223L variant (also known as c.6668C>T), located in coding exon 38 of the ANK2 gene, results from a C to T substitution at nucleotide position 6668. The proline at codon 2223 is replaced by leucine, an amino acid with similar properties. This amino acid position is conserved. In addition, the in silico prediction for this alteration is inconclusive. Based on the available evidence, the clinical significance of this alteration remains unclear.

Labcorp Genetics (formerly Invitae), Labcorp
Classification: Uncertain significance for Long QT syndrome. Last evaluated: 2022-03-28. Review status: criteria provided, single submitter. Criteria: Invitae Variant Classification Sherloc (09022015). Collection method: clinical testing. Allele origin: germline.
Comment: This variant has not been reported in the literature in individuals affected with ANK2-related conditions. This sequence change replaces proline, which is neutral and non-polar, with leucine, which is neutral and non-polar, at codon 2223 of the ANK2 protein (p.Pro2223Leu). This variant is present in population databases (no rsID available, gnomAD 0.003%). Algorithms developed to predict the effect of missense changes on protein structure and function are either unavailable or do not agree on the potential impact of this missense change (SIFT: "Deleterious"; PolyPhen-2: "Probably Damaging"; Align-GVGD: "Class C0"). In summary, the available evidence is currently insufficient to determine the role of this variant in disease. Therefore, it has been classified as a Variant of Uncertain Significance.